The following is an entry in ClinVar:

NM_153033.5(KCTD7):c.267G>A (p.Thr89=)

Gene: KCTD7 (potassium channel tetramerization domain containing 7; plus strand). Cytogenetic location: 7q11.21.
Variant type: single nucleotide variant.
Coding change: c.267G>A on transcript NM_153033.5 (MANE Select); coding-DNA position 267, G replaced by A.
Protein change: p.Thr89=; no amino-acid change (threonine 89 retained).
Molecular consequence: synonymous variant.
Genome position (GRCh38, 1-based): chr7:66,633,397, G>A. VCF-style: chr7-66633397-G-A. GRCh37 (hg19) VCF-style: chr7-66098384-G-A.
Other names: p.T89T:ACG>ACA; c.267G>A, p.Thr89= (NM_001167961.2).
Identifiers: ClinVar variation 129370 (VCV000129370.31), dbSNP rs3764904, ClinGen allele CA288947.

ClinVar aggregate classification (germline): Benign. Review status: criteria provided, multiple submitters, no conflicts (2 of 4 stars). 10 submissions from 10 submitters: Benign (8). 2 of the submissions do not count toward it. Last evaluated 2026-02-04.

Conditions:
Inborn genetic diseases. Identifiers: MedGen C0950123, MeSH D030342.
Progressive myoclonic epilepsy type 3. Also called: EPILEPSY, PROGRESSIVE MYOCLONIC, 3, WITH OR WITHOUT INTRACELLULAR INCLUSIONS; CEROID LIPOFUSCINOSIS, NEURONAL, 14; EPILEPSY, PROGRESSIVE MYOCLONIC, 3, WITHOUT INTRACELLULAR INCLUSIONS; KCTD7-Related Progressive Myoclonic Epilepsy. Identifiers: Orphanet 263516, MedGen C2673257, MONDO:0012721, OMIM 611726.

Allele frequency attached by ClinVar (database versions not stated): 1000 Genomes Project 30x 0.07745; 1000 Genomes Project 0.07827; TOPMed 0.07894; ESP Exome Variant Server 0.08304; gnomAD 0.08655 and 0.08768; ExAC 0.10228; gnomAD exomes 0.10443 and 0.11140.
gnomAD v4.1: 175,740 of 1,613,866 alleles (11%); highest among the groups gnomAD compares: East Asian, 16%; 10,564 homozygotes.

Submissions (10):

Labcorp Genetics (formerly Invitae), Labcorp
Classification: Benign for Progressive myoclonic epilepsy type 3. Last evaluated: 2026-02-04. Review status: criteria provided, single submitter. Criteria: Invitae Variant Classification Sherloc (09022015). Collection method: clinical testing. Allele origin: germline.

Genome-Nilou Lab
Classification: Benign for Progressive myoclonic epilepsy type 3. Last evaluated: 2021-08-19. Review status: criteria provided, single submitter. Criteria: ACMG Guidelines, 2015. Collection method: clinical testing. Allele origin: germline. Affected: no.

Illumina Laboratory Services, Illumina
Classification: Benign for Progressive myoclonic epilepsy type 3. Last evaluated: 2018-01-13. Review status: criteria provided, single submitter. Criteria: ICSL Variant Classification Criteria 13 December 2019. Collection method: clinical testing. Allele origin: germline.
Comment: This variant was observed in the ICSL laboratory as part of a predisposition screen in an ostensibly healthy population. It had not been previously curated by ICSL or reported in the Human Gene Mutation Database (HGMD: prior to June 1st, 2018), and was therefore a candidate for classification through an automated scoring system. Utilizing variant allele frequency, disease prevalence and penetrance estimates, and inheritance mode, an automated score was calculated to assess if this variant is too frequent to cause the disease. Based on the score and internal cut-off values, a variant classified as benign is not then subjected to further curation. The score for this variant resulted in a classification of benign for this disease.

Eurofins Ntd Llc (ga)
Classification: Benign. Last evaluated: 2016-11-07. Review status: criteria provided, single submitter. Criteria: EGL Classification Definitions 2015. Collection method: clinical testing. Allele origin: germline. Observed: 1 variant allele, 1 heterozygote.

Ambry Genetics
Classification: Benign for Inborn genetic diseases. Last evaluated: 2016-02-25. Review status: criteria provided, single submitter. Criteria: Ambry Variant Classification Scheme 2023. Collection method: clinical testing. Allele origin: germline.

GeneDx
Classification: Benign. Last evaluated: 2013-12-06. Review status: criteria provided, single submitter. Criteria: GeneDx Variant Classification (06012015). Collection method: clinical testing. Allele origin: germline. Affected: yes.
Comment: This variant is considered likely benign or benign based on one or more of the following criteria: it is a conservative change, it occurs at a poorly conserved position in the protein, it is predicted to be benign by multiple in silico algorithms, and/or has population frequency not consistent with disease.

Breakthrough Genomics
Classification: Benign. Review status: criteria provided, single submitter. Criteria: ACMG Guidelines, 2015. Collection method: not provided. Allele origin: germline. Inheritance: Autosomal recessive inheritance. Affected: yes.

PreventionGenetics, part of Exact Sciences
Classification: Benign. Review status: criteria provided, single submitter. Criteria: ACMG Guidelines, 2015. Collection method: clinical testing. Allele origin: germline.

Mayo Clinic Laboratories, Mayo Clinic
Classification: Benign. Last evaluated: 2015-12-16. Review status: no assertion criteria provided. Collection method: clinical testing. Allele origin: unknown. Not counted in ClinVar's aggregate classification.

Genetic Services Laboratory, University of Chicago
Classification: Likely benign for AllHighlyPenetrant. Review status: no assertion criteria provided. Collection method: clinical testing. Allele origin: germline. Inheritance: Autosomal recessive inheritance. Not counted in ClinVar's aggregate classification.
Comment: Likely benign based on allele frequency in 1000 Genomes Project or ESP global frequency and its presence in a patient with a rare or unrelated disease phenotype. NOT Sanger confirmed.